The following is an entry in ClinVar:

ClinVar aggregate classification (germline): Uncertain significance. Review status: criteria provided, multiple submitters, no conflicts (2 of 4 stars). 2 submissions from 2 submitters: Uncertain significance (2). Last evaluated 2026-01-01.

Conditions:
Mowat-Wilson syndrome (MOWS). Also called: Classic Mowat-Wilson Syndrome. Identifiers: Orphanet 2152, MedGen C1856113, MONDO:0009341, OMIM 235730.

Submissions (2):

CeGaT Center for Human Genetics Tuebingen
Classification: Uncertain significance. Last evaluated: 2026-01-01. Review status: criteria provided, single submitter. Criteria: CeGaT Center For Human Genetics Tuebingen Variant Classification Criteria Version 2. Collection method: clinical testing. Allele origin: germline. Affected: yes. Observed: 1 variant allele.
Comment: ZEB2: PM2

Labcorp Genetics (formerly Invitae), Labcorp
Classification: Uncertain significance for Mowat-Wilson syndrome. Last evaluated: 2022-05-26. Review status: criteria provided, single submitter. Criteria: Invitae Variant Classification Sherloc (09022015). Collection method: clinical testing. Allele origin: germline.
Comment: This variant, c.2619_2620delinsAT, is a complex sequence change that results in the deletion of 2 and insertion of 2 amino acid(s) in the ZEB2 protein (p.Asn873_Asn874delinsLysTyr). In summary, the available evidence is currently insufficient to determine the role of this variant in disease. Therefore, it has been classified as a Variant of Uncertain Significance. Experimental studies and prediction algorithms are not available or were not evaluated, and the functional significance of this variant is currently unknown. ClinVar contains an entry for this variant (Variation ID: 848011). This variant has been observed in individual(s) with clinical features of ZEB2-related conditions and/or refractory epilepsy (Invitae). Information on the frequency of this variant in the gnomAD database is not available, as this variant may be reported differently in the database.

NM_014795.4(ZEB2):c.2619_2620delinsAT (p.Asn873_Asn874delinsLysTyr)

Gene: ZEB2 (zinc finger E-box binding homeobox 2; minus strand). Cytogenetic location: 2q22.3.
Variant type: Indel.
Coding change: c.2619_2620delinsAT on transcript NM_014795.4 (MANE Select); coding-DNA positions 2619 to 2620, TA replaced by AT.
Protein change: p.Asn873_Asn874delinsLysTyr.
Molecular consequence: missense variant.
Genome position (GRCh38, 1-based): chr2:144,398,567-144,398,568, TA replaced by AT on the plus strand (TA replaced by AT on the coding strand, the reverse complement: ZEB2 is on the minus strand). VCF-style: chr2-144398567-TA-AT. GRCh37 (hg19) VCF-style: chr2-145156134-TA-AT.
Other names: c.2547_2548delinsAT, p.Asn849_Asn850delinsLysTyr (NM_001171653.2).
Identifiers: ClinVar variation 848011 (VCV000848011.13), dbSNP rs1703261977, ClinGen allele CA916082204.